The following is an entry in ClinVar:

ClinVar aggregate classification (germline): Uncertain significance. Review status: criteria provided, single submitter (1 of 4 stars). 2 submissions from 2 submitters: Uncertain significance (1). 1 of the submissions does not count toward it. Last evaluated 2024-04-15.

Conditions:
Charcot-Marie-Tooth disease type 4. Also called: Charcot-Marie-Tooth disease, type IV; Charcot-Marie-Tooth, Type 4. Identifiers: Orphanet 64749, MedGen C4082197, MONDO:0018995.
Charcot-Marie-Tooth disease type 4D. Also called: NEUROPATHY, HEREDITARY MOTOR AND SENSORY, LOM TYPE; CHARCOT-MARIE-TOOTH DISEASE, DEMYELINATING, AUTOSOMAL RECESSIVE, TYPE 4D; Charcot-Marie-Tooth Neuropathy Type 4D; CHARCOT-MARIE-TOOTH DISEASE, DEMYELINATING, TYPE 4D. Identifiers: Orphanet 99950, MedGen C1832334, MONDO:0011085, OMIM 601455.

Submissions (2):

Labcorp Genetics (formerly Invitae), Labcorp
Classification: Uncertain significance for Charcot-Marie-Tooth disease type 4. Last evaluated: 2024-04-15. Review status: criteria provided, single submitter. Criteria: Invitae Variant Classification Sherloc (09022015). Collection method: clinical testing. Allele origin: germline.
Comment: This sequence change replaces cysteine, which is neutral and slightly polar, with arginine, which is basic and polar, at codon 92 of the NDRG1 protein (p.Cys92Arg). This variant is not present in population databases (gnomAD no frequency). This variant has not been reported in the literature in individuals affected with NDRG1-related conditions. ClinVar contains an entry for this variant (Variation ID: 1390121). Advanced modeling of protein sequence and biophysical properties (such as structural, functional, and spatial information, amino acid conservation, physicochemical variation, residue mobility, and thermodynamic stability) performed at Invitae indicates that this missense variant is expected to disrupt NDRG1 protein function with a positive predictive value of 80%. In summary, the available evidence is currently insufficient to determine the role of this variant in disease. Therefore, it has been classified as a Variant of Uncertain Significance.

Natera, Inc.
Classification: Uncertain significance for Charcot-Marie-Tooth disease type 4D. Last evaluated: 2025-04-25. Review status: no assertion criteria provided. Collection method: clinical testing. Allele origin: germline. Not counted in ClinVar's aggregate classification.

NM_006096.4(NDRG1):c.274T>C (p.Cys92Arg)

Gene: NDRG1 (N-myc downstream regulated 1; minus strand). Cytogenetic location: 8q24.22.
Variant type: single nucleotide variant.
Coding change: c.274T>C on transcript NM_006096.4 (MANE Select); coding-DNA position 274, T replaced by C.
Protein change: p.Cys92Arg; replaces cysteine 92 with arginine.
Molecular consequence: missense variant.
Genome position (GRCh38, 1-based): chr8:133,262,099, A>G on the plus strand (T>C on the coding strand, the complement: NDRG1 is on the minus strand). VCF-style: chr8-133262099-A-G. GRCh37 (hg19) VCF-style: chr8-134274342-A-G.
Other names: c.274T>C, p.Cys92Arg (NM_001135242.2, NM_001374844.1, NM_001374845.1 and 1 more transcripts); c.76T>C, p.Cys26Arg (NM_001258432.2, NM_001374847.1); c.31T>C, p.Cys11Arg (NM_001258433.2); c.274T>C (NM_006096.3); short protein forms C11R, C92R, C26R.
Identifiers: ClinVar variation 1390121 (VCV001390121.7), dbSNP rs2130736126, ClinGen allele CA372256244.